The following is an entry in ClinVar:

NM_000552.5(VWF):c.7216C>G (p.Pro2406Ala)

Gene: VWF (von Willebrand factor; minus strand). Cytogenetic location: 12p13.31.
Variant type: single nucleotide variant.
Coding change: c.7216C>G on transcript NM_000552.5 (MANE Select); coding-DNA position 7216, C replaced by G.
Protein change: p.Pro2406Ala; replaces proline 2406 with alanine.
Molecular consequence: missense variant.
Genome position (GRCh38, 1-based): chr12:5,981,857, G>C on the plus strand (C>G on the coding strand, the complement: VWF is on the minus strand). VCF-style: chr12-5981857-G-C. GRCh37 (hg19) VCF-style: chr12-6091023-G-C.
Other names: c.7216C>G (NM_000552.4, NM_000552.3); short protein forms P2406A.
Identifiers: ClinVar variation 3352116 (VCV003352116.3).

ClinVar aggregate classification (germline): Uncertain significance. Review status: criteria provided, multiple submitters, no conflicts (2 of 4 stars). 3 submissions from 3 submitters: Uncertain significance (2). 1 of the submissions does not count toward it. Last evaluated 2026-02-19.

Conditions:
Inborn genetic diseases. Identifiers: MedGen C0950123, MeSH D030342.
VWF-related disorder. Also called: VWF-related condition; VWF-related disorders.

gnomAD v4.1: 17 of 1,612,754 alleles (0.0011%); highest among the groups gnomAD compares: East Asian, 0.0045%; no homozygotes.

Submissions (3):

Women's Health and Genetics/Laboratory Corporation of America, LabCorp
Classification: Uncertain significance. Last evaluated: 2026-02-19. Review status: criteria provided, single submitter. Criteria: LabCorp Variant Classification Summary - May 2015. Collection method: clinical testing. Allele origin: germline.
Comment: Variant summary: VWF c.7216C>G (p.Pro2406Ala) results in a non-conservative amino acid change in the encoded protein sequence. Algorithms developed to predict the effect of missense changes on protein structure and function are either unavailable or do not agree on the potential impact of this missense change. The variant allele was found at a frequency of 8e-06 in 251446 control chromosomes. The available data on variant occurrences in the general population are insufficient to allow any conclusion about variant significance. To our knowledge, no occurrence of c.7216C>G in individuals affected with VWF-related conditions and no experimental evidence demonstrating its impact on protein function have been reported. ClinVar contains an entry for this variant (Variation ID: 3352116). Based on the evidence outlined above, the variant was classified as uncertain significance.

Ambry Genetics
Classification: Uncertain significance for Inborn genetic diseases. Last evaluated: 2024-10-12. Review status: criteria provided, single submitter. Criteria: Ambry Variant Classification Scheme 2023. Collection method: clinical testing. Allele origin: germline.

PreventionGenetics, part of Exact Sciences
Classification: Uncertain significance for VWF-related condition. Last evaluated: 2024-03-21. Review status: no assertion criteria provided. Collection method: clinical testing. Allele origin: germline. Not counted in ClinVar's aggregate classification.
Comment: The VWF c.7216C>G variant is predicted to result in the amino acid substitution p.Pro2406Ala. To our knowledge, this variant has not been reported in the literature. This variant is reported in 0.0018% of alleles in individuals of European (Non-Finnish) descent in gnomAD. At this time, the clinical significance of this variant is uncertain due to the absence of conclusive functional and genetic evidence.